The following is an entry in ClinVar:

NM_024105.4(ALG12):c.1048G>A (p.Gly350Arg)

Gene: ALG12 (ALG12 alpha-1,6-mannosyltransferase; minus strand). Cytogenetic location: 22q13.33.
Variant type: single nucleotide variant.
Coding change: c.1048G>A on transcript NM_024105.4 (MANE Select); coding-DNA position 1048, G replaced by A.
Protein change: p.Gly350Arg; replaces glycine 350 with arginine.
Molecular consequence: missense variant.
Genome position (GRCh38, 1-based): chr22:49,904,451, C>T on the plus strand (G>A on the coding strand, the complement: ALG12 is on the minus strand). VCF-style: chr22-49904451-C-T. GRCh37 (hg19) VCF-style: chr22-50298099-C-T.
Other names: short protein forms G350R.
Identifiers: ClinVar variation 471228 (VCV000471228.7), dbSNP rs377095724, ClinGen allele CA10300356.

ClinVar aggregate classification (germline): Uncertain significance. Review status: criteria provided, multiple submitters, no conflicts (2 of 4 stars). 2 submissions from 2 submitters: Uncertain significance (2). Last evaluated 2021-09-15.

Conditions:
ALG12-congenital disorder of glycosylation (CDG1G). Also called: ALG12-CDG; CDG Ig; Congenital disorder of glycosylation, type Ig. Identifiers: Orphanet 79324, MedGen C2931001, MONDO:0011783, OMIM 607143.

Allele frequency attached by ClinVar (database versions not stated): gnomAD 0.00001; ExAC 0.00002; gnomAD exomes 0.00002; TOPMed 0.00002; ESP Exome Variant Server 0.00008.
gnomAD v4.1: 24 of 1,613,950 alleles (0.0015%); highest among the groups gnomAD compares: Non-Finnish European, 0.0019%; no homozygotes.

Submissions (2):

Labcorp Genetics (formerly Invitae), Labcorp
Classification: Uncertain significance for ALG12-congenital disorder of glycosylation. Last evaluated: 2021-09-15. Review status: criteria provided, single submitter. Criteria: Invitae Variant Classification Sherloc (09022015). Collection method: clinical testing. Allele origin: germline.
Comment: This sequence change replaces glycine with arginine at codon 350 of the ALG12 protein (p.Gly350Arg). The glycine residue is weakly conserved and there is a moderate physicochemical difference between glycine and arginine. This variant is present in population databases (rs377095724, ExAC 0.005%). This variant has not been reported in the literature in individuals affected with ALG12-related conditions. Algorithms developed to predict the effect of missense changes on protein structure and function are either unavailable or do not agree on the potential impact of this missense change (SIFT: "Tolerated"; PolyPhen-2: "Probably Damaging"; Align-GVGD: "Class C0"). Algorithms developed to predict the effect of sequence changes on RNA splicing suggest that this variant may create or strengthen a splice site. In summary, the available evidence is currently insufficient to determine the role of this variant in disease. Therefore, it has been classified as a Variant of Uncertain Significance.

Women's Health and Genetics/Laboratory Corporation of America, LabCorp
Classification: Uncertain significance. Last evaluated: 2020-09-30. Review status: criteria provided, single submitter. Criteria: LabCorp Variant Classification Summary - May 2015. Collection method: clinical testing. Allele origin: germline.
Comment: Variant summary: ALG12 c.1048G>A (p.Gly350Arg) results in a non-conservative amino acid change in the encoded protein sequence. Three of five in-silico tools predict a damaging effect of the variant on protein function. The variant allele was found at a frequency of 1.6e-05 in 251394 control chromosomes. The available data on variant occurrences in the general population are insufficient to allow any conclusion about variant significance. To our knowledge, no occurrence of c.1048G>A in individuals affected with ALG12-Congenital Disorder Of Glycosylation and no experimental evidence demonstrating its impact on protein function have been reported. One clinical diagnostic laboratory has submitted clinical-significance assessments for this variant to ClinVar after 2014 without evidence for independent evaluation, citing the variant as uncertain significance. Based on the evidence outlined above, the variant was classified as uncertain significance.